The following is an entry in ClinVar:

NM_000416.3(IFNGR1):c.1204_1230dup (p.Cys402_Asn410dup)

Gene: IFNGR1 (interferon gamma receptor 1; minus strand). Cytogenetic location: 6q23.3.
Variant type: Duplication.
Coding change: c.1204_1230dup on transcript NM_000416.3 (MANE Select); coding-DNA positions 1204 to 1230, 27 bases duplicated (TGTTCTGAGAGTGATCACTCCAGAAAT).
Protein change: p.Cys402_Asn410dup.
Molecular consequence: inframe insertion.
Genome position (GRCh38, 1-based): chr6:137,198,271-137,198,297, ATTTCTGGAGTGATCACTCTCAGAACA duplicated on the plus strand (TGTTCTGAGAGTGATCACTCCAGAAAT on the coding strand, the reverse complement: IFNGR1 is on the minus strand); duplicating any 27 consecutive bases within chr6:137,198,271-137,198,311 gives the same sequence; the c. name uses the placement nearest the transcript's 3' end. VCF-style (leftmost placement, unchanged base first): chr6-137198270-C-CATTTCTGGAGTGATCACTCTCAGAACA. GRCh37 (hg19) VCF-style: chr6-137519407-C-CATTTCTGGAGTGATCACTCTCAGAACA.
Other names: c.1204_1230dupTGTTCTGAGAGTGATCACTCCAGAAAT (NM_000416.2); c.1204_1230dup27 (NM_000416.3); c.1174_1200dup, p.Cys392_Asn400dup (NM_001363526.1); c.1081_1107dup, p.Cys361_Asn369dup (NM_001363527.1).
Identifiers: ClinVar variation 111209 (VCV000111209.17), dbSNP rs137854905, ClinGen allele CA230503.

ClinVar aggregate classification (germline): Likely benign. Review status: criteria provided, multiple submitters, no conflicts (2 of 4 stars). 6 submissions from 6 submitters: Likely benign (4). 2 of the submissions do not count toward it. Last evaluated 2026-01-11.

Conditions:
IFNGR1-related disorder. Also called: IFNGR1-related condition.
Immunodeficiency 27A (IMD27A). Also called: IMMUNODEFICIENCY 27A, MYCOBACTERIOSIS, AUTOSOMAL RECESSIVE; IFNGR1 DEFICIENCY, AUTOSOMAL RECESSIVE. Identifiers: Orphanet 319569, Orphanet 99898, MedGen C4011949, MONDO:0008856, OMIM 209950.
Helicobacter pylori infection, susceptibility to. Identifiers: MedGen C1838332, MONDO:0010853, OMIM 600263.
Autosomal dominant mendelian susceptibility to mycobacterial diseases due to partial IFNgammaR1 deficiency. Also called: Immunodeficiency 27b; IMMUNODEFICIENCY 27B, MYCOBACTERIOSIS, AUTOSOMAL DOMINANT; IFNGR1 DEFICIENCY, AUTOSOMAL DOMINANT. Identifiers: Orphanet 319581, MedGen C4014863, MONDO:0014429, OMIM 615978.
Disseminated atypical mycobacterial infection. Identifiers: MedGen C0694566.

Submissions (6):

Labcorp Genetics (formerly Invitae), Labcorp
Classification: Likely benign for Disseminated atypical mycobacterial infection. Last evaluated: 2026-01-11. Review status: criteria provided, single submitter. Criteria: Invitae Variant Classification Sherloc (09022015). Collection method: clinical testing. Allele origin: germline.

Women's Health and Genetics/Laboratory Corporation of America, LabCorp
Classification: Likely benign. Last evaluated: 2024-11-20. Review status: criteria provided, single submitter. Criteria: LabCorp Variant Classification Summary - May 2015. Collection method: clinical testing. Allele origin: germline.
Comment: Variant summary: IFNGR1 c.1204_1230dup27 (p.Cys402_Asn410dup) results in an in-frame duplication that is predicted to duplicate 9 amino acids into the encoded protein. The variant allele was found at a frequency of 0.00035 in 251006 control chromosomes, predominantly at a frequency of 0.0048 within the African or African-American subpopulation in the gnomAD database. The observed variant frequency within African or African-American control individuals in the gnomAD database is approximately 4.29 fold of the estimated maximal expected allele frequency for a pathogenic variant in IFNGR1 causing IFN Gamma Receptor Deficiency, Recessive Partial phenotype (0.0011). To our knowledge, no occurrence of c.1204_1230dup27 in individuals affected with IFNGR1-related conditions and no experimental evidence demonstrating its impact on protein function have been reported. ClinVar contains an entry for this variant (Variation ID: 111209). Based on the evidence outlined above, the variant was classified as likely benign.

Blueprint Genetics
Classification: Likely benign. Last evaluated: 2024-05-22. Review status: criteria provided, single submitter. Criteria: ACMG Guidelines, 2015. Collection method: clinical testing. Allele origin: germline.

Department of Pathology and Laboratory Medicine, Sinai Health System
Classification: Likely benign for Immunodeficiency 27A; Helicobacter pylori infection, susceptibility to; Autosomal dominant mendelian susceptibility to mycobacterial diseases due to partial IFNgammaR1 deficiency. Last evaluated: 2019-07-02. Review status: criteria provided, single submitter. Criteria: ACMG Guidelines, 2015. Collection method: research. Allele origin: germline.

PreventionGenetics, part of Exact Sciences
Classification: Likely benign for IFNGR1-related condition. Last evaluated: 2023-06-08. Review status: no assertion criteria provided. Collection method: clinical testing. Allele origin: germline. Not counted in ClinVar's aggregate classification.
Comment: This variant is classified as likely benign based on ACMG/AMP sequence variant interpretation guidelines (Richards et al. 2015 PMID: 25741868, with internal and published modifications).

Human Evolutionary Genetics, Institut Pasteur
No classification provided. Review status: no classification provided. Collection method: not provided. Allele origin: not provided. Not counted in ClinVar's aggregate classification.